The following is an entry in ClinVar:

ClinVar aggregate classification (germline): Uncertain significance. Review status: criteria provided, multiple submitters, no conflicts (2 of 4 stars). 6 submissions from 6 submitters: Uncertain significance (6). Last evaluated 2025-10-11.

Conditions:
Hereditary nonpolyposis colorectal neoplasms. Identifiers: MedGen C0009405, MeSH D003123.
Hereditary cancer-predisposing syndrome. Also called: Hereditary Cancer Syndrome; Hereditary neoplastic syndrome; Neoplastic Syndromes, Hereditary; Tumor predisposition. Identifiers: Orphanet 140162, MedGen C0027672, MeSH D009386, MONDO:0015356.
Lynch syndrome. Identifiers: Orphanet 144, MedGen C4552100, MONDO:0005835. Disease mechanism: loss of function.

Allele frequency attached by ClinVar (database versions not stated): TOPMed below 0.00001; gnomAD exomes 0.00001.
gnomAD v4.1: 10 of 1,614,146 alleles (0.00062%); highest among the groups gnomAD compares: Non-Finnish European, 0.00085%; no homozygotes.

Submissions (6):

Quest Diagnostics Nichols Institute San Juan Capistrano
Classification: Uncertain significance. Last evaluated: 2025-10-11. Review status: criteria provided, single submitter. Criteria: Quest Diagnostics criteria. Collection method: clinical testing. Allele origin: unknown.
Comment: The MSH6 c.2383A>G (p.Ile795Val) variant has been reported in the published literature in individuals with breast and/or ovarian cancer as well as in reportedly unaffected individuals (PMIDs: 33471991 (2021), 26898890 (2016), see also LOVD). This variant has not been reported in large, multi-ethnic general populations (Genome Aggregation Database). Analysis of this variant using bioinformatics tools for the prediction of the effect of amino acid changes on protein structure and function yielded predictions that this variant is benign. Based on the available information, we are unable to determine the clinical significance of this variant.

Labcorp Genetics (formerly Invitae), Labcorp
Classification: Uncertain significance for Hereditary nonpolyposis colorectal neoplasms. Last evaluated: 2025-07-21. Review status: criteria provided, single submitter. Criteria: Invitae Variant Classification Sherloc (09022015). Collection method: clinical testing. Allele origin: germline.
Comment: This sequence change replaces isoleucine, which is neutral and non-polar, with valine, which is neutral and non-polar, at codon 795 of the MSH6 protein (p.Ile795Val). This variant is not present in population databases (gnomAD no frequency). This missense change has been observed in individual(s) with breast and/or ovarian cancer (PMID: 26898890). ClinVar contains an entry for this variant (Variation ID: 455195). Invitae Evidence Modeling of protein sequence and biophysical properties (such as structural, functional, and spatial information, amino acid conservation, physicochemical variation, residue mobility, and thermodynamic stability) indicates that this missense variant is not expected to disrupt MSH6 protein function with a negative predictive value of 95%. In summary, the available evidence is currently insufficient to determine the role of this variant in disease. Therefore, it has been classified as a Variant of Uncertain Significance.

All of Us Research Program, National Institutes of Health
Classification: Uncertain significance for Lynch syndrome. Last evaluated: 2024-01-03. Review status: criteria provided, single submitter. Criteria: ACMG Guidelines, 2015. Collection method: clinical testing. Allele origin: germline. Inheritance: Autosomal dominant inheritance. Observed: 1 variant allele, 1 heterozygote.
Comment: This missense variant replaces isoleucine with valine at codon 795 of the MSH6 protein. Computational prediction suggests that this variant may not impact protein structure and function (internally defined REVEL score threshold <= 0.5, PMID: 27666373). To our knowledge, functional studies have not been reported for this variant. This variant has been reported in an individual affected with breast and/or ovarian cancer (PMID: 26898890). In a large breast cancer case-control study, this variant has been reported in 1/60466 cases and 1/53461 unaffected controls (PMID: 33471991). This variant has not been identified in the general population by the Genome Aggregation Database (gnomAD). The available evidence is insufficient to determine the role of this variant in disease conclusively. Therefore, this variant is classified as a Variant of Uncertain Significance.

This study involves interpretation of variants in research participants for the purpose of population health screening. Participant phenotype was not available at the time of variant classification. Additional details can be found in publication PMID: 35346344, PMCID: PMC8962531

Color Diagnostics, LLC DBA Color Health
Classification: Uncertain significance for Hereditary cancer-predisposing syndrome. Last evaluated: 2023-12-13. Review status: criteria provided, single submitter. Criteria: ACMG Guidelines, 2015. Collection method: clinical testing. Allele origin: germline.
Comment: This missense variant replaces isoleucine with valine at codon 795 of the MSH6 protein. Computational prediction suggests that this variant may not impact protein structure and function (internally defined REVEL score threshold <= 0.5, PMID: 27666373). To our knowledge, functional studies have not been reported for this variant. This variant has been reported in an individual affected with breast and/or ovarian cancer (PMID: 26898890). In a large breast cancer case-control study, this variant has been reported in 1/60466 cases and 1/53461 unaffected controls (PMID: 33471991). This variant has not been identified in the general population by the Genome Aggregation Database (gnomAD). The available evidence is insufficient to determine the role of this variant in disease conclusively. Therefore, this variant is classified as a Variant of Uncertain Significance.

Ambry Genetics
Classification: Uncertain significance for Hereditary cancer-predisposing syndrome. Last evaluated: 2023-07-26. Review status: criteria provided, single submitter. Criteria: Ambry Variant Classification Scheme 2023. Collection method: clinical testing. Allele origin: germline.
Comment: The p.I795V variant (also known as c.2383A>G), located in coding exon 4 of the MSH6 gene, results from an A to G substitution at nucleotide position 2383. The isoleucine at codon 795 is replaced by valine, an amino acid with highly similar properties. This variant was observed in 1/287 patients with hereditary breast and/or ovarian cancer; In another study, this variant was reported in 1/60,466 breast cancer cases and in 1/53,461 controls (Dorling et al. N Engl J Med. 2021 02;384:428-439). This amino acid position is not well conserved in available vertebrate species, and valine is the reference amino acid in other vertebrate species. In addition, this alteration is predicted to be tolerated by in silico analysis. Since supporting evidence is limited at this time, the clinical significance of this alteration remains unclear.

ARUP Laboratories, Molecular Genetics and Genomics, ARUP Laboratories
Classification: Uncertain significance. Last evaluated: 2021-09-13. Review status: criteria provided, single submitter. Criteria: ARUP Molecular Germline Variant Investigation Process 2021. Collection method: clinical testing. Allele origin: germline.
Comment: The MSH6 c.2383A>G; p.Ile795Val variant (rs865931684), to our knowledge, is not reported in the medical literature but is reported in ClinVar (Variation ID: 455195). This variant is absent from general population databases (Exome Variant Server, Genome Aggregation Database), indicating it is not a common polymorphism. The isoleucine at codon 795 is weakly conserved, and computational analyses are uncertain whether this variant is neutral or deleterious (REVEL: 0.268). Another amino acid substitutions at this codon (p.Ile795Thr) has been reported in an individual affected with pancreatic cancer, although its clinical significance was considered uncertain (Shindo 2017). Due to limited information, the clinical significance of the p.Ile795Val variant is uncertain at this time. References: Shindo K et al. Deleterious Germline Mutations in Patients With Apparently Sporadic Pancreatic Adenocarcinoma. J Clin Oncol. 2017 Oct 20;35(30):3382-3390. PMID: 28767289.

Literature cited by the submitters: PubMed 26898890 (cited by 5 submitters); PubMed 33471991 (cited by 4 submitters).

NM_000179.3(MSH6):c.2383A>G (p.Ile795Val)

Gene: MSH6 (mutS homolog 6; plus strand). Cytogenetic location: 2p16.3.
Variant type: single nucleotide variant.
Coding change: c.2383A>G on transcript NM_000179.3 (MANE Select); coding-DNA position 2383, A replaced by G.
Protein change: p.Ile795Val; replaces isoleucine 795 with valine.
Molecular consequence: missense variant.
Genome position (GRCh38, 1-based): chr2:47,800,366, A>G. VCF-style: chr2-47800366-A-G. GRCh37 (hg19) VCF-style: chr2-48027505-A-G.
Other names: c.1993A>G, p.Ile665Val (NM_001281492.2); c.1477A>G, p.Ile493Val (NM_001281493.2, NM_001281494.2); short protein forms I795V, I493V, I665V.
Identifiers: ClinVar variation 455195 (VCV000455195.27), dbSNP rs865931684, ClinGen allele CA46711010.
Genomic context (GRCh38, chr2:47,800,366, plus strand): 5'-AAGCAATGGCTTTGTGCCCCACTCTGTAACCATTATGCTATTAATGATCGTCTAGATGCC[A>G]TAGAAGACCTCATGGTTGTGCCTGACAAAATCTCCGAAGTTGTAGAGCTTCTAAAGAAGC-3'
Protein context (NP_000170.1, residues 785-805): HYAINDRLDA[Ile795Val]EDLMVVPDKI